The following is an entry in ClinVar:

NM_001458.5(FLNC):c.3026G>T (p.Arg1009Leu)

Gene: FLNC (filamin C; plus strand). Cytogenetic location: 7q32.1.
Variant type: single nucleotide variant.
Coding change: c.3026G>T on transcript NM_001458.5 (MANE Select); coding-DNA position 3026, G replaced by T.
Protein change: p.Arg1009Leu; replaces arginine 1009 with leucine.
Molecular consequence: missense variant.
Genome position (GRCh38, 1-based): chr7:128,844,100, G>T. VCF-style: chr7-128844100-G-T. GRCh37 (hg19) VCF-style: chr7-128484154-G-T.
Other names: c.3026G>T, p.Arg1009Leu (NM_001127487.2); short protein forms R1009L.
Identifiers: ClinVar variation 2931873 (VCV002931873.3), dbSNP rs375445167, ClinGen allele CA369193999.

ClinVar aggregate classification (germline): Uncertain significance (1 of 4 stars; one submission).

Conditions:
Hypertrophic cardiomyopathy 26. Also called: Cardiomyopathy, familial hypertrophic, 26. Identifiers: Orphanet 75249, MedGen C4310749, MONDO:0014883, OMIM 617047.
Myofibrillar myopathy 5. Also called: Filaminopathy (type); FILAMINOPATHY, AUTOSOMAL DOMINANT. Identifiers: Orphanet 171445, MedGen C1836050, MONDO:0012289, OMIM 609524.
Distal myopathy with posterior leg and anterior hand involvement. Also called: WILLIAMS DISTAL MYOPATHY. Identifiers: Orphanet 63273, MedGen C3279722, MONDO:0013550, OMIM 614065.

gnomAD v4.1: 1 of 1,613,938 alleles (0.000062%); highest among the groups gnomAD compares: Non-Finnish European, 0.000085%; no homozygotes.

Submission:

Labcorp Genetics (formerly Invitae), Labcorp
Classification: Uncertain significance for Distal myopathy with posterior leg and anterior hand involvement; Myofibrillar myopathy 5; Hypertrophic cardiomyopathy 26. Last evaluated: 2025-02-02. Review status: criteria provided, single submitter. Criteria: Invitae Variant Classification Sherloc (09022015). Collection method: clinical testing. Allele origin: germline.
Comment: This sequence change replaces arginine, which is basic and polar, with leucine, which is neutral and non-polar, at codon 1009 of the FLNC protein (p.Arg1009Leu). This variant is not present in population databases (gnomAD no frequency). This variant has not been reported in the literature in individuals affected with FLNC-related conditions. ClinVar contains an entry for this variant (Variation ID: 2931873). Invitae Evidence Modeling of protein sequence and biophysical properties (such as structural, functional, and spatial information, amino acid conservation, physicochemical variation, residue mobility, and thermodynamic stability) has been performed for this missense variant. However, the output from this modeling did not meet the statistical confidence thresholds required to predict the impact of this variant on FLNC protein function. In summary, the available evidence is currently insufficient to determine the role of this variant in disease. Therefore, it has been classified as a Variant of Uncertain Significance.